The following is an entry in ClinVar:

NM_022051.3(EGLN1):c.320C>G (p.Ala107Gly)

Gene: EGLN1 (egl-9 family hypoxia inducible factor 1; minus strand). Cytogenetic location: 1q42.2.
Variant type: single nucleotide variant.
Coding change: c.320C>G on transcript NM_022051.3 (MANE Select); coding-DNA position 320, C replaced by G.
Protein change: p.Ala107Gly; replaces alanine 107 with glycine.
Molecular consequence: missense variant.
Genome position (GRCh38, 1-based): chr1:231,421,569, G>C on the plus strand (C>G on the coding strand, the complement: EGLN1 is on the minus strand). VCF-style: chr1-231421569-G-C. GRCh37 (hg19) VCF-style: chr1-231557315-G-C.
Other names: c.320C>G, p.Ala107Gly (NM_001377260.1, NM_001377261.1); short protein forms A107G.
Identifiers: ClinVar variation 1728907 (VCV001728907.2), dbSNP rs1656609818, ClinGen allele CA345237738.

ClinVar aggregate classification (germline): Uncertain significance (1 of 4 stars; one submission).

Submission:

Ambry Genetics
Classification: Uncertain significance. Last evaluated: 2024-02-04. Review status: criteria provided, single submitter. Criteria: Ambry Variant Classification Scheme 2023. Collection method: clinical testing. Allele origin: germline.
Comment: The p.A107G variant (also known as c.320C>G), located in coding exon 1 of the EGLN1 gene, results from a C to G substitution at nucleotide position 320. The alanine at codon 107 is replaced by glycine, an amino acid with similar properties. This amino acid position is conserved. In addition, this alteration is predicted to be tolerated by in silico analysis. Since supporting evidence is limited at this time, the clinical significance of this alteration remains unclear.